The following is an entry in ClinVar:

GRCh38/hg38 15q26.2-26.3(chr15:96329791-101849578)x1

Genes: ADAMTS17 (ADAM metallopeptidase with thrombospondin type 1 motif 17; minus strand), ALDH1A3 (aldehyde dehydrogenase 1 family member A3; plus strand), ALDH1A3-AS1 (ALDH1A3 antisense RNA 1; minus strand), ARRDC4 (arrestin domain containing 4; plus strand), ASB7 (ankyrin repeat and SOCS box containing 7; plus strand) and 195 more. Cytogenetic location: 15q26.2-26.3.
Variant type: copy number loss.
Change: copy number 1 (one copy instead of two) of chr15:96,329,791-101,849,578 (5.52 Mb, GRCh38 coordinates, 1-based), cytogenetic band 15q26.2-26.3.
Identifiers: ClinVar variation 59402 (VCV000059402.3).

ClinVar aggregate classification (germline): Pathogenic (1 of 4 stars; one submission).

Submission:

ISCA Site 6
Classification: Pathogenic. Last evaluated: 2011-08-12. Review status: criteria provided, single submitter. Criteria: Kaminsky et al. (Genet Med. 2011). Collection method: clinical testing. Allele origin: de novo. Affected: yes. Observed: 1 variant allele.
Comment: Copy number variation identified through the course of routine clinical cytogenomic testing in postnatal populations. Clinical assertions have been curated as described in Kaminsky et al. 2011.